The following is an entry in ClinVar:

ClinVar aggregate classification (germline): Conflicting classifications of pathogenicity. Review status: criteria provided, conflicting classifications (1 of 4 stars). 8 submissions from 8 submitters: Uncertain significance (6); Likely benign (2). Last evaluated 2026-07-17.

Conditions:
Birt-Hogg-Dube syndrome 1 (BHD1). Also called: FIBROFOLLICULOMAS WITH TRICHODISCOMAS AND ACROCHORDONS. Identifiers: Orphanet 122, MedGen CN375946, MONDO:0800445, OMIM 135150.
FLCN-related disorder. Also called: FLCN-related condition.
Hereditary cancer-predisposing syndrome. Also called: Neoplastic Syndromes, Hereditary; Tumor predisposition; Hereditary Cancer Syndrome; Hereditary neoplastic syndrome. Identifiers: Orphanet 140162, MedGen C0027672, MeSH D009386, MONDO:0015356.
Birt-Hogg-Dube syndrome. Also called: Birt Hogg Dubé syndrome. Identifiers: Orphanet 122, MedGen C0346010, MONDO:0800444.

Allele frequency attached by ClinVar (database versions not stated): ExAC 0.00002; gnomAD exomes 0.00002 and 0.00003; TOPMed 0.00002.
gnomAD v4.1: 35 of 1,613,812 alleles (0.0022%); highest among the groups gnomAD compares: Middle Eastern, 0.017%; no homozygotes.

Submissions (8):

PreventionGenetics, part of Exact Sciences
Classification: Uncertain significance for FLCN-related condition. Last evaluated: 2026-07-17. Review status: criteria provided, single submitter. Criteria: ACMG Guidelines, 2015. Collection method: clinical testing. Allele origin: germline.
Comment: The FLCN c.1189G>A variant is predicted to result in the amino acid substitution p.Val397Met. This variant has been reported in an individual with primary spontaneous pneumothorax (Zhang et al. 2022. PubMed ID: 36410626). This variant is reported in 0.016% of alleles in individuals of East Asian descent in gnomAD and has conflicting interpretations in ClinVar ranging from likely benign to uncertain (Variation ID: 409396). Although we suspect that this variant may be benign, at this time, the clinical significance of this variant is uncertain due to the absence of conclusive functional and genetic evidence.

Labcorp Genetics (formerly Invitae), Labcorp
Classification: Uncertain significance for Birt-Hogg-Dube syndrome. Last evaluated: 2026-01-20. Review status: criteria provided, single submitter. Criteria: Invitae Variant Classification Sherloc (09022015). Collection method: clinical testing. Allele origin: germline.
Comment: This sequence change replaces valine, which is neutral and non-polar, with methionine, which is neutral and non-polar, at codon 397 of the FLCN protein (p.Val397Met). This variant is present in population databases (rs752006809, gnomAD 0.02%). This variant has not been reported in the literature in individuals affected with FLCN-related conditions. ClinVar contains an entry for this variant (Variation ID: 409396). Invitae Evidence Modeling of protein sequence and biophysical properties (such as structural, functional, and spatial information, amino acid conservation, physicochemical variation, residue mobility, and thermodynamic stability) indicates that this missense variant is not expected to disrupt FLCN protein function with a negative predictive value of 80%. In summary, the available evidence is currently insufficient to determine the role of this variant in disease. Therefore, it has been classified as a Variant of Uncertain Significance.

Quest Diagnostics Nichols Institute San Juan Capistrano
Classification: Uncertain significance. Last evaluated: 2025-07-24. Review status: criteria provided, single submitter. Criteria: Quest Diagnostics criteria. Collection method: clinical testing. Allele origin: unknown.
Comment: The FLCN c.1189G>A (p.Val397Met) variant has been reported in the published literature in individuals with papillary renal cell cancer (PMID: 25790038 (2015)), and primary spontaneous pneumothorax (PMID: 36410626 (2023)). A functional study demonstrated that this variant had an inconclusive effect on protein function, with no impact on splicing in a mini-gene assay (PMID: 36410626 (2023)). The frequency of this variant in the general population (Genome Aggregation Database) is higher than would generally be expected for pathogenic variants in this gene. Analysis of this variant using bioinformatics tools for the prediction of the effect of amino acid changes on protein structure and function yielded predictions that this variant is benign. Based on the available information, we are unable to determine the clinical significance of this variant.

Myriad Genetics, Inc.
Classification: Likely benign for Birt-Hogg-Dube syndrome 1. Last evaluated: 2024-08-07. Review status: criteria provided, single submitter. Criteria: Myriad Autosomal Dominant, Autosomal Recessive and X-Linked Classification Criteria (2023). Collection method: clinical testing. Allele origin: unknown.
Comment: This variant is considered likely benign. This variant has been observed at a population frequency that is significantly greater than expected given the associated disease prevalence and penetrance.

GeneDx
Classification: Uncertain significance. Last evaluated: 2023-12-15. Review status: criteria provided, single submitter. Criteria: GeneDx Variant Classification Process June 2021. Collection method: clinical testing. Allele origin: germline. Affected: yes.
Comment: In silico analysis supports that this missense variant does not alter protein structure/function; Published functional studies demonstrate no impact on splicing in a mini-gene assay (PMID: 36410626); Observed in a patient with primary spontaneous pneumothorax (PMID: 36410626); This variant is associated with the following publications: (PMID: 17028174, 36410626)

Baylor Genetics
Classification: Uncertain significance for Birt-Hogg-Dube syndrome 1. Last evaluated: 2023-09-26. Review status: criteria provided, single submitter. Criteria: ACMG Guidelines, 2015. Collection method: clinical testing. Allele origin: unknown.

Department of Pathology and Laboratory Medicine, Sinai Health System
Classification: Uncertain significance for Birt-Hogg-Dube syndrome 1. Last evaluated: 2023-05-31. Review status: criteria provided, single submitter. Criteria: ACMG Guidelines, 2015. Collection method: clinical testing. Allele origin: germline. Affected: yes.

Ambry Genetics
Classification: Likely benign for Hereditary cancer-predisposing syndrome. Last evaluated: 2023-01-04. Review status: criteria provided, single submitter. Criteria: Ambry Variant Classification Scheme 2023. Collection method: clinical testing. Allele origin: germline.

Literature cited by the submitters: PubMed 25790038 (cited by Quest Diagnostics Nichols Institute San Juan Capistrano); PubMed 36410626 (cited by Quest Diagnostics Nichols Institute San Juan Capistrano).

NM_144997.7(FLCN):c.1189G>A (p.Val397Met)

Gene: FLCN (folliculin; minus strand). Cytogenetic location: 17p11.2.
Variant type: single nucleotide variant.
Coding change: c.1189G>A on transcript NM_144997.7 (MANE Select); coding-DNA position 1189, G replaced by A.
Protein change: p.Val397Met; replaces valine 397 with methionine.
Molecular consequence: missense variant.
Genome position (GRCh38, 1-based): chr17:17,216,491, C>T on the plus strand (G>A on the coding strand, the complement: FLCN is on the minus strand). VCF-style: chr17-17216491-C-T. GRCh37 (hg19) VCF-style: chr17-17119805-C-T.
Other names: c.1189G>A (LRG_325t1, NM_144997.6); c.1243G>A, p.Val415Met (NM_001353229.2); c.1189G>A, p.Val397Met (NM_001353230.2, NM_001353231.2); short protein forms V397M, V415M.
Identifiers: ClinVar variation 409396 (VCV000409396.18), dbSNP rs752006809, ClinGen allele CA8416101.